The following is an entry in ClinVar:

NM_001378964.1(CDON):c.2996-31C>T

Gene: CDON (cell adhesion associated, oncogene regulated; minus strand). Cytogenetic location: 11q24.2.
Variant type: single nucleotide variant.
Coding change: c.2996-31C>T on transcript NM_001378964.1 (MANE Select); 31 bases into the intron before coding-DNA position 2996, C replaced by T.
Molecular consequence: intron variant.
Genome position (GRCh38, 1-based): chr11:125,981,360, G>A on the plus strand (C>T on the coding strand, the complement: CDON is on the minus strand). VCF-style: chr11-125981360-G-A. GRCh37 (hg19) VCF-style: chr11-125851255-G-A.
Other names: c.2996-31C>T (NM_001441166.1, NM_016952.6, NM_001243597.3 and 5 more transcripts).
Identifiers: ClinVar variation 3054048 (VCV003054048.2), dbSNP rs1555117249, ClinGen allele CA6351539.
Genomic context (GRCh38, chr11:125,981,360, plus strand): 5'-CTTGGTAGAGATATCCTGGTGGGTCATATTCTGTTAAAAGAGAACAAAAAAGACACACAC[G>A]CACACACACACACGCACGCACACATGCACATACGCACACACGCATGCACACATGCACATA-3'

ClinVar aggregate classification (germline): Likely benign (0 of 4 stars; one submission).

Conditions:
CDON-related disorder. Also called: CDON-related condition.

Allele frequency attached by ClinVar (database versions not stated): gnomAD 0.00001; ExAC 0.00003; gnomAD exomes 0.00005.
gnomAD v4.1: 71 of 1,351,440 alleles (0.0053%); highest among the groups gnomAD compares: Middle Eastern, 0.017%; no homozygotes.

Submission:

PreventionGenetics, part of Exact Sciences
Classification: Likely benign for CDON-related condition. Last evaluated: 2020-12-08. Review status: no assertion criteria provided. Collection method: clinical testing. Allele origin: germline.
Comment: This variant is classified as likely benign based on ACMG/AMP sequence variant interpretation guidelines (Richards et al. 2015 PMID: 25741868, with internal and published modifications).